The following is an entry in ClinVar:

ClinVar aggregate classification (germline): Benign/Likely benign. Review status: criteria provided, multiple submitters, no conflicts (2 of 4 stars). 7 submissions from 7 submitters: Benign (2); Likely benign (5). Last evaluated 2026-02-01.

Conditions:
Inborn genetic diseases. Identifiers: MedGen C0950123, MeSH D030342.
Hereditary angioedema type 1 (HAE1). Identifiers: Orphanet 100050, Orphanet 100051, Orphanet 91378, MedGen C2717906, MONDO:0015053, OMIM 106100.

Allele frequency attached by ClinVar (database versions not stated): 1000 Genomes Project 30x 0.00031; 1000 Genomes Project 0.00040; gnomAD 0.00085 and 0.00090; TOPMed 0.00097; gnomAD exomes 0.00108 and 0.00130; ExAC 0.00128; ESP Exome Variant Server 0.00177.
gnomAD v4.1: 2,003 of 1,614,116 alleles (0.12%); highest among the groups gnomAD compares: Non-Finnish European, 0.16%; 3 homozygotes.

Submissions (7):

Labcorp Genetics (formerly Invitae), Labcorp
Classification: Benign. Last evaluated: 2026-02-01. Review status: criteria provided, single submitter. Criteria: Invitae Variant Classification Sherloc (09022015). Collection method: clinical testing. Allele origin: germline.

CeGaT Center for Human Genetics Tuebingen
Classification: Likely benign. Last evaluated: 2025-11-01. Review status: criteria provided, single submitter. Criteria: CeGaT Center For Human Genetics Tuebingen Variant Classification Criteria Version 2. Collection method: clinical testing. Allele origin: germline. Affected: yes. Observed: 5 variant alleles.
Comment: SERPING1: BP4, BP7

Blueprint Genetics
Classification: Likely benign. Last evaluated: 2024-11-07. Review status: criteria provided, single submitter. Criteria: ACMG Guidelines, 2015. Collection method: clinical testing. Allele origin: germline.

Ambry Genetics
Classification: Likely benign for Inborn genetic diseases. Last evaluated: 2022-05-16. Review status: criteria provided, single submitter. Criteria: Ambry Variant Classification Scheme 2023. Collection method: clinical testing. Allele origin: germline.

Illumina Laboratory Services, Illumina
Classification: Benign for Hereditary angioedema type 1. Last evaluated: 2018-01-12. Review status: criteria provided, single submitter. Criteria: ICSL Variant Classification Criteria 13 December 2019. Collection method: clinical testing. Allele origin: germline.
Comment: This variant was observed in the ICSL laboratory as part of a predisposition screen in an ostensibly healthy population. It had not been previously curated by ICSL or reported in the Human Gene Mutation Database (HGMD: prior to June 1st, 2018), and was therefore a candidate for classification through an automated scoring system. Utilizing variant allele frequency, disease prevalence and penetrance estimates, and inheritance mode, an automated score was calculated to assess if this variant is too frequent to cause the disease. Based on the score and internal cut-off values, a variant classified as benign is not then subjected to further curation. The score for this variant resulted in a classification of benign for this disease.

GeneDx
Classification: Likely benign. Last evaluated: 2017-04-26. Review status: criteria provided, single submitter. Criteria: GeneDx Variant Classification (06012015). Collection method: clinical testing. Allele origin: germline. Affected: yes.
Comment: This variant is considered likely benign or benign based on one or more of the following criteria: it is a conservative change, it occurs at a poorly conserved position in the protein, it is predicted to be benign by multiple in silico algorithms, and/or has population frequency not consistent with disease.

Breakthrough Genomics
Classification: Likely benign. Review status: criteria provided, single submitter. Criteria: ACMG Guidelines, 2015. Collection method: not provided. Allele origin: germline. Inheritance: Autosomal recessive inheritance. Affected: yes.

NM_000062.3(SERPING1):c.849C>T (p.Ser283=)

Gene: SERPING1 (serpin family G member 1; plus strand). Cytogenetic location: 11q12.1.
Variant type: single nucleotide variant.
Coding change: c.849C>T on transcript NM_000062.3 (MANE Select); coding-DNA position 849, C replaced by T.
Protein change: p.Ser283=; no amino-acid change (serine 283 retained).
Molecular consequence: synonymous variant.
Genome position (GRCh38, 1-based): chr11:57,606,173, C>T. VCF-style: chr11-57606173-C-T. GRCh37 (hg19) VCF-style: chr11-57373646-C-T.
Other names: c.849C>T, p.Ser283= (NM_001032295.2).
Identifiers: ClinVar variation 305027 (VCV000305027.51), dbSNP rs143760635, ClinGen allele CA6008129.